The following is an entry in ClinVar:

ClinVar aggregate classification (germline): Uncertain significance. Review status: criteria provided, multiple submitters, no conflicts (2 of 4 stars). 3 submissions from 3 submitters: Uncertain significance (2). 1 of the submissions does not count toward it. Last evaluated 2025-09-13.

Conditions:
Cardiac arrhythmia. Also called: Arrhythmia; Cardiac rhythm disease. Identifiers: MedGen C0003811, MONDO:0007263, HP:0011675.
Long QT syndrome (LQTS). Identifiers: MedGen C0023976, MeSH D008133, MONDO:0002442. Disease mechanism: loss of function. Inheritance: Various modes of inheritance.

Allele frequency attached by ClinVar (database versions not stated): ExAC below 0.00001; gnomAD 0.00001; gnomAD exomes 0.00001; TOPMed 0.00001.
gnomAD v4.1: 18 of 1,595,274 alleles (0.0011%); highest among the groups gnomAD compares: Non-Finnish European, 0.0015%; no homozygotes.

Submissions (3):

Labcorp Genetics (formerly Invitae), Labcorp
Classification: Uncertain significance for Long QT syndrome. Last evaluated: 2025-09-13. Review status: criteria provided, single submitter. Criteria: Invitae Variant Classification Sherloc (09022015). Collection method: clinical testing. Allele origin: germline.
Comment: This sequence change replaces threonine, which is neutral and polar, with serine, which is neutral and polar, at codon 367 of the KCNH2 protein (p.Thr367Ser). This variant is not present in population databases (gnomAD no frequency). This variant has not been reported in the literature in individuals affected with KCNH2-related conditions. ClinVar contains an entry for this variant (Variation ID: 67164). An algorithm developed to predict the effect of missense changes on protein structure and function (PolyPhen-2) suggests that this variant is likely to be disruptive. In summary, the available evidence is currently insufficient to determine the role of this variant in disease. Therefore, it has been classified as a Variant of Uncertain Significance.

Color Diagnostics, LLC DBA Color Health
Classification: Uncertain significance for Cardiac arrhythmia. Last evaluated: 2023-01-23. Review status: criteria provided, single submitter. Criteria: ACMG Guidelines, 2015. Collection method: clinical testing. Allele origin: germline.
Comment: This missense variant replaces threonine with serine at codon 367 of the KCNH2 protein. Computational prediction suggests that this variant may have deleterious impact on protein structure and function (internally defined REVEL score threshold >= 0.7, PMID: 27666373). To our knowledge, functional studies have not been reported for this variant. This variant has not been reported in individuals affected with cardiovascular disorders in the literature. This variant has been reported in two individuals in the control cohort (PMID: 14661677, 19841300). This variant has not been identified in the general population by the Genome Aggregation Database (gnomAD). The available evidence is insufficient to determine the role of this variant in disease conclusively. Therefore, this variant is classified as a Variant of Uncertain Significance.

Cardiovascular Biomedical Research Unit, Royal Brompton & Harefield NHS Foundation Trust
No classification provided. Review status: no classification provided. Collection method: literature only. Allele origin: germline. Not counted in ClinVar's aggregate classification.
Comment: This variant has been reported in the following publications (PMID:14661677;PMID:19841300).

Literature cited by the submitters: PubMed 14661677 (cited by Color Diagnostics, LLC DBA Color Health and Cardiovascular Biomedical Research Unit, Royal Brompton & Harefield NHS Foundation Trust); PubMed 19841300 (cited by Color Diagnostics, LLC DBA Color Health and Cardiovascular Biomedical Research Unit, Royal Brompton & Harefield NHS Foundation Trust); PubMed 22581653 (cited by Cardiovascular Biomedical Research Unit, Royal Brompton & Harefield NHS Foundation Trust).

NM_000238.4(KCNH2):c.1099A>T (p.Thr367Ser)

Gene: KCNH2 (potassium voltage-gated channel subfamily H member 2; minus strand). Cytogenetic location: 7q36.1.
Variant type: single nucleotide variant.
Coding change: c.1099A>T on transcript NM_000238.4 (MANE Select); coding-DNA position 1099, A replaced by T.
Protein change: p.Thr367Ser; replaces threonine 367 with serine.
Molecular consequence: missense variant.
Genome position (GRCh38, 1-based): chr7:150,957,320, T>A on the plus strand (A>T on the coding strand, the complement: KCNH2 is on the minus strand). VCF-style: chr7-150957320-T-A. GRCh37 (hg19) VCF-style: chr7-150654408-T-A.
Other names: c.1099A>T (LRG_288t1); c.811A>T, p.Thr271Ser (NM_001406753.1, NM_001406756.1); c.922A>T, p.Thr308Ser (NM_001406755.1); c.799A>T, p.Thr267Ser (NM_001406757.1); c.1099A>T, p.Thr367Ser (NM_172056.3); short protein forms T367S, T267S, T308S, T271S.
Identifiers: ClinVar variation 67164 (VCV000067164.12), dbSNP rs199472890, ClinGen allele CA004214.